The following is an entry in ClinVar:

ClinVar aggregate classification (germline): Pathogenic (1 of 4 stars; one submission).

Conditions:
Hereditary cancer-predisposing syndrome. Also called: Hereditary Cancer Syndrome; Tumor predisposition; Hereditary neoplastic syndrome; Neoplastic Syndromes, Hereditary. Identifiers: Orphanet 140162, MedGen C0027672, MeSH D009386, MONDO:0015356.

Submission:

Ambry Genetics
Classification: Pathogenic for Hereditary cancer-predisposing syndrome. Last evaluated: 2024-06-18. Review status: criteria provided, single submitter. Criteria: Ambry Variant Classification Scheme 2023. Collection method: clinical testing. Allele origin: germline.
Comment: The p.E762* pathogenic mutation (also known as c.2284G>T), located in coding exon 14 of the CDH1 gene, results from a G to T substitution at nucleotide position 2284. This changes the amino acid from a glutamic acid to a stop codon within coding exon 14. This variant is considered to be rare based on population cohorts in the Genome Aggregation Database (gnomAD). This alteration is expected to result in loss of function by premature protein truncation or nonsense-mediated mRNA decay. As such, this alteration is interpreted as a disease-causing mutation.

NM_004360.5(CDH1):c.2284G>T (p.Glu762Ter)

Gene: CDH1 (cadherin 1; plus strand). Cytogenetic location: 16q22.1.
Variant type: single nucleotide variant.
Coding change: c.2284G>T on transcript NM_004360.5 (MANE Select); coding-DNA position 2284, G replaced by T.
Protein change: p.Glu762Ter; replaces glutamic acid 762 with a stop codon.
Molecular consequence: nonsense.
Genome position (GRCh38, 1-based): chr16:68,828,293, G>T. VCF-style: chr16-68828293-G-T. GRCh37 (hg19) VCF-style: chr16-68862196-G-T.
Other names: c.2101G>T, p.Glu701Ter (NM_001317184.2); c.736G>T, p.Glu246Ter (NM_001317185.2); c.319G>T, p.Glu107Ter (NM_001317186.2); short protein forms E107*, E762*, E246*, E701*.
Identifiers: ClinVar variation 3265149 (VCV003265149.1).